The following is an entry in ClinVar:

ClinVar aggregate classification (germline): Conflicting classifications of pathogenicity. Review status: criteria provided, conflicting classifications (1 of 4 stars). 3 submissions from 3 submitters: Likely pathogenic (2); Uncertain significance (1). Last evaluated 2023-07-10.

Conditions:
Hereditary cancer-predisposing syndrome. Also called: Neoplastic Syndromes, Hereditary; Hereditary Cancer Syndrome; Tumor predisposition; Hereditary neoplastic syndrome. Identifiers: Orphanet 140162, MedGen C0027672, MeSH D009386, MONDO:0015356.
ATM-related disorder. Also called: ATM-related disorders; ATM-related condition.
Ataxia-telangiectasia syndrome (AT). Also called: LOUIS-BAR SYNDROME; Ataxia-telangiectasia, complementation group D; AT, COMPLEMENTATION GROUP C; Ataxia-telangiectasia, complementation group E; Ataxia telangiectasia (A-T); Cerebello-oculocutaneous telangiectasia. Identifiers: Orphanet 100, MedGen C0004135, MONDO:0008840, OMIM 208900.

Allele frequency attached by ClinVar (database versions not stated): gnomAD exomes below 0.00001.
gnomAD v4.1: 2 of 1,612,010 alleles (0.00012%); highest among the groups gnomAD compares: Non-Finnish European, 0.000085%; no homozygotes.

Submissions (3):

Ambry Genetics
Classification: Likely pathogenic for Hereditary cancer-predisposing syndrome. Last evaluated: 2023-07-10. Review status: criteria provided, single submitter. Criteria: Ambry Variant Classification Scheme 2023. Collection method: clinical testing. Allele origin: germline.
Comment: The c.5675-3C>G intronic variant results from a C to G substitution 3 nucleotides upstream from coding exon 37 in the ATM gene. This nucleotide position is not well conserved in available vertebrate species. In silico splice site analysis predicts that this alteration will weaken the native splice acceptor site. RNA studies have demonstrated that this alteration results in abnormal splicing in the set of samples tested (Ambry internal data). Based on the majority of available evidence to date, this variant is likely to be pathogenic.

Labcorp Genetics (formerly Invitae), Labcorp
Classification: Uncertain significance for Ataxia-telangiectasia syndrome. Last evaluated: 2022-09-23. Review status: criteria provided, single submitter. Criteria: Invitae Variant Classification Sherloc (09022015). Collection method: clinical testing. Allele origin: germline.
Comment: In summary, the available evidence is currently insufficient to determine the role of this variant in disease. Therefore, it has been classified as a Variant of Uncertain Significance. Variants that disrupt the consensus splice site are a relatively common cause of aberrant splicing (PMID: 17576681, 9536098). Algorithms developed to predict the effect of sequence changes on RNA splicing suggest that this variant may disrupt the consensus splice site. ClinVar contains an entry for this variant (Variation ID: 230399). This variant has not been reported in the literature in individuals affected with ATM-related conditions. This variant is present in population databases (no rsID available, gnomAD 0.005%). This sequence change falls in intron 37 of the ATM gene. It does not directly change the encoded amino acid sequence of the ATM protein. It affects a nucleotide within the consensus splice site.

Blueprint Genetics
Classification: Likely pathogenic for ATM-related disorders. Last evaluated: 2020-11-30. Review status: criteria provided, single submitter. Criteria: ACMG Guidelines, 2015. Collection method: clinical testing. Allele origin: germline. Affected: yes. Observed: 2 variant alleles.

Literature cited by the submitters: PubMed 17576681 (cited by Labcorp Genetics (formerly Invitae), Labcorp); PubMed 9536098 (cited by Labcorp Genetics (formerly Invitae), Labcorp).

NM_000051.4(ATM):c.5675-3C>G

Gene: ATM (ATM serine/threonine kinase; plus strand). Cytogenetic location: 11q22.3.
Variant type: single nucleotide variant.
Coding change: c.5675-3C>G on transcript NM_000051.4 (MANE Select); 3 bases into the intron before coding-DNA position 5675, C replaced by G.
Molecular consequence: intron variant.
Genome position (GRCh38, 1-based): chr11:108,307,894, C>G. VCF-style: chr11-108307894-C-G. GRCh37 (hg19) VCF-style: chr11-108178621-C-G.
Other names: c.5675-3C>G (NM_001351834.2).
Identifiers: ClinVar variation 230399 (VCV000230399.13), dbSNP rs876658545, ClinGen allele CA10579192.
Genomic context (GRCh38, chr11:108,307,894, plus strand): 5'-AGAAGGAAGAAGGTGTGTAAGCAAGAATGCCTGGGACTGAGGGGAGATATTTTTGTTTGT[C>G]AGAGTCAGAGCACTTTTTCCGATGCTGTTTGGATAAAAAATCACAAAGAACAATGCTTGC-3'